The following is an entry in ClinVar:

NM_000363.5(TNNI3):c.24+2T>A

Gene: TNNI3 (troponin I3, cardiac type; minus strand). Cytogenetic location: 19q13.42.
Variant type: single nucleotide variant.
Coding change: c.24+2T>A on transcript NM_000363.5 (MANE Select); the canonical splice donor site of the intron after coding-DNA position 24, T replaced by A.
Molecular consequence: splice donor variant.
Genome position (GRCh38, 1-based): chr19:55,157,294, A>T on the plus strand (T>A on the coding strand, the complement: TNNI3 is on the minus strand). VCF-style: chr19-55157294-A-T. GRCh37 (hg19) VCF-style: chr19-55668662-A-T.
Identifiers: ClinVar variation 691809 (VCV000691809.11), dbSNP rs777702465, ClinGen allele CA050753.

ClinVar aggregate classification (germline): Conflicting classifications of pathogenicity. Review status: criteria provided, conflicting classifications (1 of 4 stars). 5 submissions from 5 submitters: Pathogenic (3); Likely pathogenic (1); Uncertain significance (1). Last evaluated 2026-09-16.

Conditions:
Cardiovascular phenotype. Identifiers: MedGen CN230736.
TNNI3-related disorder. Also called: TNNI3-related disorders; TNNI3-related condition.
Primary dilated cardiomyopathy (DCM). Also called: Dilated Cardiomyopathy. Identifiers: Orphanet 217604, MedGen C0007193, MeSH D002311, MONDO:0005021, HP:0001644. Inheritance: Various modes of inheritance.
Hypertrophic cardiomyopathy. Also called: HYPERTROPHIC MYOCARDIOPATHY. Identifiers: Orphanet 217569, MedGen C0007194, MeSH D002312, MONDO:0005045, HP:0001639.

Allele frequency attached by ClinVar (database versions not stated): gnomAD exomes below 0.00001 and 0.00001; ExAC 0.00001; gnomAD 0.00001.
gnomAD v4.1: 7 of 1,612,632 alleles (0.00043%); highest among the groups gnomAD compares: South Asian, 0.0077%; no homozygotes.

Submissions (5):

PreventionGenetics, part of Exact Sciences
Classification: Pathogenic for TNNI3-related condition. Last evaluated: 2026-09-16. Review status: criteria provided, single submitter. Criteria: ACMG Guidelines, 2015. Collection method: clinical testing. Allele origin: germline.
Comment: The TNNI3 c.24+2T>A variant is predicted to disrupt the GT donor site and interfere with normal splicing. This variant has been reported in the homozygous state in individuals with left ventricular noncompaction cardiomyopathy or dilated cardiomyopathy (Family 2, Kühnisch et al. 2019. PubMed ID: 31568572; Supplemental Table 3, Al-Hassnan et al. 2020. PubMed ID: 32870709; Pezzoli et al. 2021. PubMed ID: 35050212). Functional studies from patients homozygous for this variant showed that the variant abolished TNNI3 protein expression (Figure 4 and S6, Kühnisch et al. 2019. PubMed ID: 31568572). This variant is reported in 0.0099% of alleles in individuals of South Asian descent in gnomAD. Variants that disrupt the consensus splice donor site in TNNI3 are expected to be pathogenic. This variant is interpreted as pathogenic for autosomal recessive TNNI3-related disorders.

Ambry Genetics
Classification: Uncertain significance for Cardiovascular phenotype. Last evaluated: 2025-07-31. Review status: criteria provided, single submitter. Criteria: Ambry Variant Classification Scheme 2023. Collection method: clinical testing. Allele origin: germline.
Comment: The c.24+2T>A intronic variant results from a T to A substitution two nucleotides after coding exon 2 in the TNNI3 gene. In silico splice site analysis predicts that this alteration will weaken the native splice donor site and may result in the creation or strengthening of a novel splice donor site. The stop codon in the predicted resulting transcript occurs in the 5' end ofthe TNNI3 gene. As such, this alteration may escape nonsense-mediated mRNAdecay and/or be prone to rescue by reinitiation (Rivas et al. Science. 2015 May 8;348(6235):666-9; Lindeboom et al. Nat Genet. 2016 Oct;48(10):1112-8; Rhee et al. Sci Rep. 2017 May 10;7(1):1653). The exact functional effect of this alteration is unknown; however, the region predicted to be impacted is critical for protein function (Ambry internal data). This variant has been identified in the homozygous state in individual(s) with features consistent with dilated cardiomyopathy and one individual with left ventricular noncompaction (K&uuml;hnisch J et al. Clin Genet, 2019 Dec;96:549-559; Al-Hassnan ZN et al. Circ Genom Precis Med, 2020 Oct;13:504-514; Pezzoli L et al. J Cardiovasc Dev Dis, 2021 Dec;9). In addition, studies by one group showed absence of TNNI3 protein in myocardial sample from patients homozygous for this variant (K&uuml;hnisch J et al. Clin Genet, 2019 Dec;96:549-559). This nucleotide position is well conserved in available vertebrate species. Although biallelic loss of function of TNNI3 has been associated with autosomal recessive dilated cardiomyopathy, haploinsufficiency of TNNI3 has not been established as a mechanism of disease for autosomal dominant cardiomyopathy. Based on the supporting evidence, this variant is expected to be causative of autosomal recessive dilated cardiomyopathy when present along with a second pathogenic variant on the other allele; however, its clinical significance for autosomal dominant cardiomyopathy is unclear.

Blueprint Genetics
Classification: Pathogenic for TNNI3-related disorders. Last evaluated: 2024-06-21. Review status: criteria provided, single submitter. Criteria: ACMG Guidelines, 2015. Collection method: clinical testing. Allele origin: germline. Affected: yes. Observed: 4 variant alleles.

Labcorp Genetics (formerly Invitae), Labcorp
Classification: Likely pathogenic for Hypertrophic cardiomyopathy. Last evaluated: 2024-04-22. Review status: criteria provided, single submitter. Criteria: Invitae Variant Classification Sherloc (09022015). Collection method: clinical testing. Allele origin: germline.
Comment: This sequence change affects a donor splice site in intron 2 of the TNNI3 gene. RNA analysis indicates that disruption of this splice site induces altered splicing and may result in an absent or disrupted protein product. This variant is present in population databases (rs777702465, gnomAD 0.01%). This variant has been observed in the homozygous state in individual(s) with pediatric onset dilated cardiomyopathy and/or left ventricular noncompaction (PMID: 31568572, 32870709, 35050212). ClinVar contains an entry for this variant (Variation ID: 691809). Studies have shown that disruption of this splice site results in insertion of 45 additional nucleotides and introduces a premature termination codon (PMID: 31568572). The resulting mRNA is expected to undergo nonsense-mediated decay. In summary, the currently available evidence indicates that the variant is pathogenic, but additional data are needed to prove that conclusively. Therefore, this variant has been classified as Likely Pathogenic.

Klaassen Lab, Charite University Medicine Berlin
Classification: Pathogenic for Primary dilated cardiomyopathy. Last evaluated: 2019-07-03. Review status: criteria provided, single submitter. Criteria: ACMG Guidelines, 2015. Collection method: research. Allele origin: germline. Affected: yes.

Literature cited by the submitters: PubMed 31568572 (cited by 3 submitters); PubMed 32870709 (cited by Ambry Genetics and Labcorp Genetics (formerly Invitae), Labcorp); PubMed 35050212 (cited by Ambry Genetics and Labcorp Genetics (formerly Invitae), Labcorp); PubMed 31333075 (cited by Klaassen Lab, Charite University Medicine Berlin).